The following is an entry in ClinVar:

NM_153766.3(KCNJ1):c.88T>C (p.Cys30Arg)

Gene: KCNJ1 (potassium inwardly rectifying channel subfamily J member 1; minus strand). Cytogenetic location: 11q24.3.
Variant type: single nucleotide variant.
Coding change: c.88T>C on transcript NM_153766.3 (MANE Select); coding-DNA position 88, T replaced by C.
Protein change: p.Cys30Arg; replaces cysteine 30 with arginine.
Molecular consequence: missense variant.
Genome position (GRCh38, 1-based): chr11:128,840,156, A>G on the plus strand (T>C on the coding strand, the complement: KCNJ1 is on the minus strand). VCF-style: chr11-128840156-A-G. GRCh37 (hg19) VCF-style: chr11-128710051-A-G.
Other names: c.145T>C, p.Cys49Arg (NM_000220.6); c.88T>C, p.Cys30Arg (NM_153764.3, NM_153767.4); c.139T>C, p.Cys47Arg (NM_153765.3); c.145T>C (NM_000220.4); short protein forms C30R, C47R, C49R.
Identifiers: ClinVar variation 2069834 (VCV002069834.2), dbSNP rs753656301, ClinGen allele CA6357575.

ClinVar aggregate classification (germline): Uncertain significance. Review status: criteria provided, multiple submitters, no conflicts (2 of 4 stars). 2 submissions from 2 submitters: Uncertain significance (2). Last evaluated 2025-05-16.

Conditions:
KCNJ1-related disorder. Also called: KCNJ1-related condition.

Allele frequency attached by ClinVar (database versions not stated): ExAC 0.00001; gnomAD exomes 0.00001; TOPMed 0.00002.

Submissions (2):

PreventionGenetics, part of Exact Sciences
Classification: Uncertain significance for KCNJ1-related condition. Last evaluated: 2025-05-16. Review status: criteria provided, single submitter. Criteria: ACMG Guidelines, 2015. Collection method: clinical testing. Allele origin: germline.
Comment: The KCNJ1 c.145T>C variant is predicted to result in the amino acid substitution p.Cys49Arg. To our knowledge, this variant has not been reported in the literature. This variant is reported in 0.0018% of alleles in individuals of European (Non-Finnish) descent in gnomAD. Alternative variant at this codon p.Cys49Tyr (also reported as p.Cys30Tyr in alternative transcript) was observed in individuals with KCNJ1-related disorder (Table 1, Khandelwal et al. 2020. PubMed ID: 32185747; Yang et al. 2022. PubMed ID: 35761198; Schulte et al. 1999. PubMed ID: 10611379) and functional studies suggested that this variant may affect protein function (Schulte et al. 1998. PubMed ID: 9852128; Lopes et al. 2002. PubMed ID: 12086641). Although we suspect that this variant may be pathogenic, at this time, the clinical significance of this variant is uncertain due to the absence of conclusive functional and genetic evidence.

Labcorp Genetics (formerly Invitae), Labcorp
Classification: Uncertain significance. Last evaluated: 2022-08-22. Review status: criteria provided, single submitter. Criteria: Invitae Variant Classification Sherloc (09022015). Collection method: clinical testing. Allele origin: germline.
Comment: This sequence change replaces cysteine, which is neutral and slightly polar, with arginine, which is basic and polar, at codon 49 of the KCNJ1 protein (p.Cys49Arg). This variant is present in population databases (rs753656301, gnomAD 0.002%). This variant has not been reported in the literature in individuals affected with KCNJ1-related conditions. Algorithms developed to predict the effect of missense changes on protein structure and function (SIFT, PolyPhen-2, Align-GVGD) all suggest that this variant is likely to be disruptive. This variant disrupts the p.Cys49 amino acid residue in KCNJ1. Other variant(s) that disrupt this residue have been determined to be pathogenic (PMID: 10611379, 12086641; Invitae). This suggests that this residue is clinically significant, and that variants that disrupt this residue are likely to be disease-causing. In summary, the available evidence is currently insufficient to determine the role of this variant in disease. Therefore, it has been classified as a Variant of Uncertain Significance.

Literature cited by the submitters: PubMed 10611379 (cited by Labcorp Genetics (formerly Invitae), Labcorp); PubMed 12086641 (cited by Labcorp Genetics (formerly Invitae), Labcorp).